The following is an entry in ClinVar:

ClinVar aggregate classification (germline): Uncertain significance. Review status: criteria provided, single submitter (1 of 4 stars). 2 submissions from 2 submitters: Uncertain significance (1). 1 of the submissions does not count toward it. Last evaluated 2021-08-31.

Conditions:
Zellweger spectrum disorders (ZS). Also called: Zellweger syndrome; Zellweger Spectrum Disorder (ZSD); Zellweger Spectrum Disorder; Zellweger Spectrum. Identifiers: Orphanet 912, MedGen C0043459, MONDO:0019609.

Allele frequency attached by ClinVar (database versions not stated): gnomAD exomes below 0.00001.
gnomAD v4.1: 2 of 1,612,892 alleles (0.00012%); highest among the groups gnomAD compares: Non-Finnish European, 0.000085%; no homozygotes.

Submissions (2):

Labcorp Genetics (formerly Invitae), Labcorp
Classification: Uncertain significance for Zellweger spectrum disorders. Last evaluated: 2021-08-31. Review status: criteria provided, single submitter. Criteria: Invitae Variant Classification Sherloc (09022015). Collection method: clinical testing. Allele origin: germline.
Comment: This sequence change replaces threonine with isoleucine at codon 1241 of the PEX1 protein (p.Thr1241Ile). The threonine residue is highly conserved and there is a moderate physicochemical difference between threonine and isoleucine. This variant is not present in population databases (ExAC no frequency). This variant has not been reported in the literature in individuals affected with PEX1-related conditions. Algorithms developed to predict the effect of missense changes on protein structure and function (SIFT, PolyPhen-2, Align-GVGD) all suggest that this variant is likely to be tolerated. In summary, the available evidence is currently insufficient to determine the role of this variant in disease. Therefore, it has been classified as a Variant of Uncertain Significance.

Natera, Inc.
Classification: Uncertain significance for Zellweger syndrome. Last evaluated: 2020-06-11. Review status: no assertion criteria provided. Collection method: clinical testing. Allele origin: germline. Not counted in ClinVar's aggregate classification.

NM_000466.3(PEX1):c.3722C>T (p.Thr1241Ile)

Genes: PEX1 (peroxisomal biogenesis factor 1; minus strand), GATAD1 (GATA zinc finger domain containing 1; plus strand). Cytogenetic location: 7q21.2.
Variant type: single nucleotide variant.
Coding change: c.3722C>T on transcript NM_000466.3 (MANE Select); coding-DNA position 3722, C replaced by T.
Protein change: p.Thr1241Ile; replaces threonine 1241 with isoleucine.
Molecular consequence: missense variant.
Genome position (GRCh38, 1-based): chr7:92,489,338, G>A on the plus strand (C>T on the coding strand, the complement: PEX1 is on the minus strand). VCF-style: chr7-92489338-G-A. GRCh37 (hg19) VCF-style: chr7-92118652-G-A.
Other names: c.3551C>T, p.Thr1184Ile (NM_001282677.2); c.3098C>T, p.Thr1033Ile (NM_001282678.2); short protein forms T1033I, T1184I, T1241I.
Identifiers: ClinVar variation 1020739 (VCV001020739.10), dbSNP rs1791136903, ClinGen allele CA368159439.
Genomic context (GRCh38, chr7:92,489,338, plus strand): 5'-GAATCTGTTACTTACAGCTCAGCAAAATTCTTCCAGTCATCTTCACTAATGGATGGTCTT[G>A]TGTGACCAAGTGCAGTCATTAAATGTGACTGACTAATAGCCAGTCTGGTTTTGATTGGTC-3'
Protein context (NP_000457.1, residues 1231-1251): QSHLMTALGH[Thr1241Ile]RPSISEDDWK